The following is an entry in ClinVar:

ClinVar aggregate classification (germline): Benign/Likely benign. Review status: criteria provided, multiple submitters, no conflicts (2 of 4 stars). 8 submissions from 8 submitters: Benign (3); Likely benign (3). 2 of the submissions do not count toward it. Last evaluated 2026-02-04.

Conditions:
Acyl-CoA oxidase deficiency. Also called: Peroxisomal acyl-CoA oxidase deficiency; STRAIGHT-CHAIN ACYL-CoA OXIDASE DEFICIENCY; Pseudoneonatal adrenoleukodystrophy. Identifiers: Orphanet 2971, MedGen C1849678, MONDO:0009919, OMIM 264470. Disease mechanism: loss of function.

Allele frequency attached by ClinVar (database versions not stated): 1000 Genomes Project 0.00599; 1000 Genomes Project 30x 0.00640; TOPMed 0.00771; ExAC 0.00828; gnomAD 0.00848 and 0.00869; gnomAD exomes 0.00853 and 0.01317; ESP Exome Variant Server 0.00923.
gnomAD v4.1: 20,403 of 1,613,988 alleles (1.3%); highest among the groups gnomAD compares: Non-Finnish European, 1.5%; 164 homozygotes.

Submissions (8):

Labcorp Genetics (formerly Invitae), Labcorp
Classification: Benign for Acyl-CoA oxidase deficiency. Last evaluated: 2026-02-04. Review status: criteria provided, single submitter. Criteria: Invitae Variant Classification Sherloc (09022015). Collection method: clinical testing. Allele origin: germline.

CeGaT Center for Human Genetics Tuebingen
Classification: Benign. Last evaluated: 2024-06-01. Review status: criteria provided, single submitter. Criteria: CeGaT Center For Human Genetics Tuebingen Variant Classification Criteria Version 2. Collection method: clinical testing. Allele origin: germline. Affected: yes. Observed: 13 variant alleles.
Comment: ACOX1: BP4, BS1, BS2

GeneDx
Classification: Likely benign. Last evaluated: 2019-11-26. Review status: criteria provided, single submitter. Criteria: GeneDx Variant Classification Process June 2021. Collection method: clinical testing. Allele origin: germline. Affected: yes.

Illumina Laboratory Services, Illumina
Classification: Likely benign for Acyl-CoA oxidase deficiency. Last evaluated: 2018-01-13. Review status: criteria provided, single submitter. Criteria: ICSL Variant Classification Criteria 13 December 2019. Collection method: clinical testing. Allele origin: germline.
Comment: This variant was observed in the ICSL laboratory as part of a predisposition screen in an ostensibly healthy population. It had not been previously curated by ICSL or reported in the Human Gene Mutation Database (HGMD: prior to June 1st, 2018), and was therefore a candidate for classification through an automated scoring system. Utilizing variant allele frequency, disease prevalence and penetrance estimates, and inheritance mode, an automated score was calculated to assess if this variant is too frequent to cause the disease. Based on the score and internal cut-off values, a variant classified as likely benign is not then subjected to further curation. The score for this variant resulted in a classification of likely benign for this disease.

Breakthrough Genomics
Classification: Likely benign. Review status: criteria provided, single submitter. Criteria: ACMG Guidelines, 2015. Collection method: not provided. Allele origin: germline. Inheritance: Autosomal recessive inheritance. Affected: yes.

PreventionGenetics, part of Exact Sciences
Classification: Benign. Review status: criteria provided, single submitter. Criteria: ACMG Guidelines, 2015. Collection method: clinical testing. Allele origin: germline.

Natera, Inc.
Classification: Benign for Peroxisomal acyl CoA oxidase deficiency. Last evaluated: 2020-09-16. Review status: no assertion criteria provided. Collection method: clinical testing. Allele origin: germline. Not counted in ClinVar's aggregate classification.

Mayo Clinic Laboratories, Mayo Clinic
Classification: Likely benign. Last evaluated: 2017-01-04. Review status: no assertion criteria provided. Collection method: clinical testing. Allele origin: unknown. Not counted in ClinVar's aggregate classification.

NM_004035.7(ACOX1):c.921G>A (p.Arg307=)

Gene: ACOX1 (acyl-CoA oxidase 1; minus strand). Cytogenetic location: 17q25.1.
Variant type: single nucleotide variant.
Coding change: c.921G>A on transcript NM_004035.7 (MANE Select); coding-DNA position 921, G replaced by A.
Protein change: p.Arg307=; no amino-acid change (arginine 307 retained).
Molecular consequence: synonymous variant.
Genome position (GRCh38, 1-based): chr17:75,953,474, C>T on the plus strand (G>A on the coding strand, the complement: ACOX1 is on the minus strand). VCF-style: chr17-75953474-C-T. GRCh37 (hg19) VCF-style: chr17-73949555-C-T.
Other names: c.807G>A, p.Arg269= (NM_001185039.2); c.921G>A, p.Arg307= (NM_007292.6).
Identifiers: ClinVar variation 259222 (VCV000259222.48), dbSNP rs79677613, ClinGen allele CA8776893.